The following is an entry in ClinVar:

NM_017617.5(NOTCH1):c.728G>A (p.Cys243Tyr)

Gene: NOTCH1 (notch receptor 1; minus strand). Cytogenetic location: 9q34.3.
Variant type: single nucleotide variant.
Coding change: c.728G>A on transcript NM_017617.5 (MANE Select); coding-DNA position 728, G replaced by A.
Protein change: p.Cys243Tyr; replaces cysteine 243 with tyrosine.
Molecular consequence: missense variant.
Genome position (GRCh38, 1-based): chr9:136,522,864, C>T on the plus strand (G>A on the coding strand, the complement: NOTCH1 is on the minus strand). VCF-style: chr9-136522864-C-T. GRCh37 (hg19) VCF-style: chr9-139417316-C-T.
Other names: short protein forms C243Y.
Identifiers: ClinVar variation 3687558 (VCV003687558.2).

ClinVar aggregate classification (germline): Uncertain significance (1 of 4 stars; one submission).

Conditions:
Adams-Oliver syndrome 5 (AOS5). Identifiers: Orphanet 974, MedGen C4014970, MONDO:0014459, OMIM 616028.

Submission:

Labcorp Genetics (formerly Invitae), Labcorp
Classification: Uncertain significance for Adams-Oliver syndrome 5. Last evaluated: 2024-02-25. Review status: criteria provided, single submitter. Criteria: Invitae Variant Classification Sherloc (09022015). Collection method: clinical testing. Allele origin: germline.
Comment: This sequence change replaces cysteine, which is neutral and slightly polar, with tyrosine, which is neutral and polar, at codon 243 of the NOTCH1 protein (p.Cys243Tyr). This variant is not present in population databases (gnomAD no frequency). This variant has not been reported in the literature in individuals affected with NOTCH1-related conditions. Advanced modeling of protein sequence and biophysical properties (such as structural, functional, and spatial information, amino acid conservation, physicochemical variation, residue mobility, and thermodynamic stability) performed at Invitae indicates that this missense variant is expected to disrupt NOTCH1 protein function with a positive predictive value of 95%. In summary, the available evidence is currently insufficient to determine the role of this variant in disease. Therefore, it has been classified as a Variant of Uncertain Significance.